The following is an entry in ClinVar:

ClinVar aggregate classification (germline): Uncertain significance (1 of 4 stars; one submission).

Conditions:
Seizures, benign familial infantile, 3 (BFIS3). Also called: Familial neonatal seizures; CONVULSIONS, BENIGN FAMILIAL INFANTILE, 3. Identifiers: Orphanet 140927, Orphanet 306, MedGen C1843140, MONDO:0011904, OMIM 607745.
Developmental and epileptic encephalopathy, 11 (DEE11). Also called: Early infantile epileptic encephalopathy 11. Identifiers: Orphanet 1934, MedGen C3150987, MONDO:0013388, OMIM 613721.

Submission:

Labcorp Genetics (formerly Invitae), Labcorp
Classification: Uncertain significance for Seizures, benign familial infantile, 3; Developmental and epileptic encephalopathy, 11. Last evaluated: 2020-03-05. Review status: criteria provided, single submitter. Criteria: Invitae Variant Classification Sherloc (09022015). Collection method: clinical testing. Allele origin: germline.
Comment: This sequence change replaces leucine with phenylalanine at codon 1830 of the SCN2A protein (p.Leu1830Phe). The leucine residue is highly conserved and there is a small physicochemical difference between leucine and phenylalanine. This variant is not present in population databases (ExAC no frequency). This variant has not been reported in the literature in individuals with SCN2A-related disease. Algorithms developed to predict the effect of missense changes on protein structure and function are either unavailable or do not agree on the potential impact of this missense change (SIFT: "Deleterious"; PolyPhen-2: "Benign"; Align-GVGD: "Class C15"). In summary, the available evidence is currently insufficient to determine the role of this variant in disease. Therefore, it has been classified as a Variant of Uncertain Significance.

NM_001040142.2(SCN2A):c.5488C>T (p.Leu1830Phe)

Gene: SCN2A (sodium voltage-gated channel alpha subunit 2; plus strand). Cytogenetic location: 2q24.3.
Variant type: single nucleotide variant.
Coding change: c.5488C>T on transcript NM_001040142.2 (MANE Select); coding-DNA position 5488, C replaced by T.
Protein change: p.Leu1830Phe; replaces leucine 1830 with phenylalanine.
Molecular consequence: missense variant.
Genome position (GRCh38, 1-based): chr2:165,389,294, C>T. VCF-style: chr2-165389294-C-T. GRCh37 (hg19) VCF-style: chr2-166245804-C-T.
Other names: c.5488C>T, p.Leu1830Phe (NM_001040143.2, NM_001371246.1, NM_001371247.1 and 1 more transcripts); short protein forms L1830F.
Identifiers: ClinVar variation 654364 (VCV000654364.9), dbSNP rs1350014793, ClinGen allele CA349039126.